The following is an entry in ClinVar:

NM_001035.3(RYR2):c.13169A>G (p.Gln4390Arg)

Genes: RYR2 (ryanodine receptor 2; plus strand), LOC126806068 (BRD4-independent group 4 enhancer GRCh37_chr1:237947411-237948610; plus strand). Cytogenetic location: 1q43.
Variant type: single nucleotide variant.
Coding change: c.13169A>G on transcript NM_001035.3 (MANE Select); coding-DNA position 13169, A replaced by G.
Protein change: p.Gln4390Arg; replaces glutamine 4390 with arginine.
Molecular consequence: missense variant.
Genome position (GRCh38, 1-based): chr1:237,784,881, A>G. VCF-style: chr1-237784881-A-G. GRCh37 (hg19) VCF-style: chr1-237948181-A-G.
Other names: short protein forms Q4390R.
Identifiers: ClinVar variation 1332342 (VCV001332342.9), dbSNP rs763987225, ClinGen allele CA085302.
Genomic context (GRCh38, chr1:237,784,881, plus strand): 5'-CAGAGGAAAGTGACCTTCTTTCGGACATCTTTGGCCTGGATCTGAAGAGAGAAGGAGGAC[A>G]GTACAAACTGATTCCTCATAATCCAAATGCTGGGCTCAGTGACCTCATGAGCAACCCAGT-3'
Protein context (NP_001026.2, residues 4380-4400): FGLDLKREGG[Gln4390Arg]YKLIPHNPNA

ClinVar aggregate classification (germline): Uncertain significance. Review status: criteria provided, multiple submitters, no conflicts (2 of 4 stars). 3 submissions from 3 submitters: Uncertain significance (3). Last evaluated 2024-03-07.

Conditions:
Catecholaminergic polymorphic ventricular tachycardia (CVPT). Also called: Catecholamine-induced polymorphic ventricular tachycardia. Identifiers: Orphanet 3286, MedGen C5574922, MONDO:0017990.
Cardiomyopathy (CMYO). Also called: Cardiomyopathies. Identifiers: Orphanet 167848, MedGen C0878544, MONDO:0004994, HP:0001638. Inheritance: Various modes of inheritance.
Catecholaminergic polymorphic ventricular tachycardia 1. Also called: VENTRICULAR TACHYCARDIA, CATECHOLAMINERGIC POLYMORPHIC, 1, WITH OR WITHOUT ATRIAL DYSFUNCTION AND/OR DILATED CARDIOMYOPATHY; VENTRICULAR TACHYCARDIA, STRESS-INDUCED POLYMORPHIC 1; RYR2-Related Catecholaminergic Polymorphic Ventricular Tachycardia. Identifiers: Orphanet 3286, MedGen C1631597, MONDO:0011484, OMIM 604772.

Allele frequency attached by ClinVar (database versions not stated): gnomAD exomes below 0.00001; ExAC 0.00001.

Submissions (3):

Color Diagnostics, LLC DBA Color Health
Classification: Uncertain significance for Cardiomyopathy. Last evaluated: 2024-03-07. Review status: criteria provided, single submitter. Criteria: ACMG Guidelines, 2015. Collection method: clinical testing. Allele origin: germline.
Comment: This missense variant replaces glutamine with arginine at codon 4390 of the RYR2 protein. Computational prediction is inconclusive regarding the impact of this variant on protein structure and function (internally defined REVEL score threshold 0.5 < inconclusive < 0.7, PMID: 27666373). To our knowledge, functional studies have not been reported for this variant. This variant has not been reported in individuals affected with cardiovascular disorders in the literature. This variant has been identified in 1/247466 chromosomes in the general population by the Genome Aggregation Database (gnomAD). The available evidence is insufficient to determine the role of this variant in disease conclusively. Therefore, this variant is classified as a Variant of Uncertain Significance.

All of Us Research Program, National Institutes of Health
Classification: Uncertain significance for Catecholaminergic polymorphic ventricular tachycardia. Last evaluated: 2023-08-15. Review status: criteria provided, single submitter. Criteria: ACMG Guidelines, 2015. Collection method: clinical testing. Allele origin: germline. Inheritance: Autosomal dominant inheritance. Observed: 1 variant allele, 1 heterozygote.
Comment: This missense variant replaces glutamine with arginine at codon 4390 of the RYR2 protein. Computational prediction is inconclusive regarding the impact of this variant on protein structure and function (internally defined REVEL score threshold 0.5 < inconclusive < 0.7, PMID: 27666373). To our knowledge, functional studies have not been reported for this variant. This variant has not been reported in individuals affected with cardiovascular disorders in the literature. This variant has been identified in 1/247466 chromosomes in the general population by the Genome Aggregation Database (gnomAD). The available evidence is insufficient to determine the role of this variant in disease conclusively. Therefore, this variant is classified as a Variant of Uncertain Significance.

This study involves interpretation of variants in research participants for the purpose of population health screening. Participant phenotype was not available at the time of variant classification. Additional details can be found in publication PMID: 35346344, PMCID: PMC8962531

Labcorp Genetics (formerly Invitae), Labcorp
Classification: Uncertain significance for Catecholaminergic polymorphic ventricular tachycardia 1. Last evaluated: 2022-03-17. Review status: criteria provided, single submitter. Criteria: Invitae Variant Classification Sherloc (09022015). Collection method: clinical testing. Allele origin: germline.
Comment: This sequence change replaces glutamine, which is neutral and polar, with arginine, which is basic and polar, at codon 4390 of the RYR2 protein (p.Gln4390Arg). This variant is present in population databases (rs763987225, gnomAD 0.003%). This variant has not been reported in the literature in individuals affected with RYR2-related conditions. ClinVar contains an entry for this variant (Variation ID: 1332342). Advanced modeling of protein sequence and biophysical properties (such as structural, functional, and spatial information, amino acid conservation, physicochemical variation, residue mobility, and thermodynamic stability) performed at Invitae indicates that this missense variant is not expected to disrupt RYR2 protein function. In summary, the available evidence is currently insufficient to determine the role of this variant in disease. Therefore, it has been classified as a Variant of Uncertain Significance.